The following is an entry in ClinVar:

NM_007103.4(NDUFV1):c.721del (p.Thr241fs)

Gene: NDUFV1 (NADH:ubiquinone oxidoreductase core subunit V1; plus strand). Cytogenetic location: 11q13.2.
Variant type: Deletion.
Coding change: c.721del on transcript NM_007103.4 (MANE Select); coding-DNA position 721, one base deleted (A; older notation c.721delA).
Protein change: p.Thr241fs; shifts the reading frame from threonine 241.
Molecular consequence: frameshift variant.
Genome position (GRCh38, 1-based): chr11:67,611,015, A deleted; the last of 2 consecutive A bases (chr11:67,611,014-67,611,015); deleting either gives the same sequence. VCF-style (leftmost placement, unchanged base first): chr11-67611013-CA-C. GRCh37 (hg19) VCF-style: chr11-67378484-CA-C.
Other names: c.694del, p.Thr232fs (NM_001166102.2); short protein forms T232fs, T241fs.
Identifiers: ClinVar variation 4880570 (VCV004880570.2).
Genomic context (GRCh38, chr11:67,611,013, plus strand): 5'-CACCCCCTAGCAGCCACCAGTTCTCTTCCCATTTCCCTGAAGGAGTGTTTGGCTGCCCCA[CA>C]ACTGTGGCCAACGTGGAGACAGTGGCAGTGTCCCCCACAATCTGCCGCCGTGGAGGTACC-3'

ClinVar aggregate classification (germline): Likely pathogenic (1 of 4 stars; one submission).

Conditions:
Mitochondrial complex I deficiency, nuclear type 4. Also called: Mitochondrial complex 1 deficiency, nuclear type 4. Identifiers: MedGen C4748753, MONDO:0032609, OMIM 618225.

Submission:

Dasa
Classification: Likely pathogenic for Mitochondrial complex I deficiency, nuclear type 4. Last evaluated: 2025-05-27. Review status: criteria provided, single submitter. Criteria: DASA Assertion Criteria. Collection method: clinical testing. Allele origin: germline.
Comment: NM_007103.4(NDUFV1):c.721del (p.Thr241Leufs*56) is a frameshift variant in NDUFV1 predicted to alter the reading frame and introduce a premature termination codon and is predicted to result in an absent or altered protein product. Loss of function is an established disease mechanism for NDUFV1-associated disorders. Also, this variant is absent from population databases. Based on the currently available evidence, this variant is classified as likely pathogenic.